The following is an entry in ClinVar:

NM_006180.6(NTRK2):c.2099T>C (p.Val700Ala)

Gene: NTRK2 (neurotrophic receptor tyrosine kinase 2; plus strand). Cytogenetic location: 9q21.33.
Variant type: single nucleotide variant.
Coding change: c.2099T>C on transcript NM_006180.6 (MANE Select); coding-DNA position 2099, T replaced by C.
Protein change: p.Val700Ala; replaces valine 700 with alanine.
Molecular consequence: missense variant.
Genome position (GRCh38, 1-based): chr9:84,955,444, T>C. VCF-style: chr9-84955444-T-C. GRCh37 (hg19) VCF-style: chr9-87570359-T-C.
Other names: c.2051T>C, p.Val684Ala (NM_001018064.3, NM_001369532.1, NM_001369533.1); c.2015T>C, p.Val672Ala (NM_001369534.1); c.1583T>C, p.Val528Ala (NM_001369535.1); c.1631T>C, p.Val544Ala (NM_001369536.1); short protein forms V528A, V544A, V672A, V684A, V700A.
Identifiers: ClinVar variation 1700295 (VCV001700295.2), dbSNP rs2132977846, ClinGen allele CA374010242.
Genomic context (GRCh38, chr9:84,955,444, plus strand): 5'-TGGTCTACCTGGCGTCCCAGCACTTCGTGCACCGCGATTTGGCCACCAGGAACTGCCTGG[T>C]CGGGGAGAACTTGCTGGTGAAAATCGGGGACTTTGGGATGTCCCGGGACGTGTACAGCAC-3'
Protein context (NP_006171.2, residues 690-710): HRDLATRNCL[Val700Ala]GENLLVKIGD

ClinVar aggregate classification (germline): Uncertain significance (1 of 4 stars; one submission).

Submission:

GeneDx
Classification: Uncertain significance. Last evaluated: 2022-02-01. Review status: criteria provided, single submitter. Criteria: GeneDx Variant Classification Process June 2021. Collection method: clinical testing. Allele origin: germline. Affected: yes.
Comment: Not observed at significant frequency in large population cohorts (gnomAD); In silico analysis supports that this missense variant has a deleterious effect on protein structure/function; Has not been previously published as pathogenic or benign to our knowledge